The following is an entry in ClinVar:

NM_017934.7(PHIP):c.4986G>C (p.Lys1662Asn)

Genes: IRAK1BP1 (interleukin 1 receptor associated kinase 1 binding protein 1; plus strand), PHIP (PHIP subunit of CUL4-Ring ligase complex; minus strand). Cytogenetic location: 6q14.1.
Variant type: single nucleotide variant.
Coding change: c.4986G>C on transcript NM_017934.7 (MANE Select); coding-DNA position 4986, G replaced by C.
Protein change: p.Lys1662Asn; replaces lysine 1662 with asparagine.
Molecular consequence: missense variant.
Genome position (GRCh38, 1-based): chr6:78,941,173, C>G on the plus strand (G>C on the coding strand, the complement: PHIP is on the minus strand). VCF-style: chr6-78941173-C-G. GRCh37 (hg19) VCF-style: chr6-79650890-C-G.
Other names: short protein forms K1662N.
Identifiers: ClinVar variation 4998012 (VCV004998012.1).

ClinVar aggregate classification (germline): Uncertain significance (1 of 4 stars; one submission).

Conditions:
PHIP-related disorder. Also called: PHIP-related condition; PHIP-related disorders.

Submission:

PreventionGenetics, part of Exact Sciences
Classification: Uncertain significance for PHIP-related condition. Last evaluated: 2025-06-16. Review status: criteria provided, single submitter. Criteria: ACMG Guidelines, 2015. Collection method: clinical testing. Allele origin: germline.
Comment: The PHIP c.4986G>C variant is predicted to result in the amino acid substitution p.Lys1662Asn. To our knowledge, this variant has not been reported in the literature or in a large population database (gnomAD), indicating this variant is rare. At this time, the clinical significance of this variant is uncertain due to the absence of conclusive functional and genetic evidence.